The following is an entry in ClinVar:

NM_001164665.2(KIAA1549):c.5815T>G (p.Ser1939Ala)

Gene: KIAA1549 (KIAA1549; minus strand). Cytogenetic location: 7q34.
Variant type: single nucleotide variant.
Coding change: c.5815T>G on transcript NM_001164665.2 (MANE Select); coding-DNA position 5815, T replaced by G.
Protein change: p.Ser1939Ala; replaces serine 1939 with alanine.
Molecular consequence: missense variant.
Genome position (GRCh38, 1-based): chr7:138,837,944, A>C on the plus strand (T>G on the coding strand, the complement: KIAA1549 is on the minus strand). VCF-style: chr7-138837944-A-C. GRCh37 (hg19) VCF-style: chr7-138522689-A-C.
Other names: c.5767T>G, p.Ser1923Ala (NM_020910.3); short protein forms S1923A, S1939A.
Identifiers: ClinVar variation 851361 (VCV000851361.9), dbSNP rs557851564, ClinGen allele CA4505461.

ClinVar aggregate classification (germline): Conflicting classifications of pathogenicity. Review status: criteria provided, conflicting classifications (1 of 4 stars). 2 submissions from 2 submitters: Uncertain significance (1); Likely benign (1). Last evaluated 2024-11-18.

Allele frequency attached by ClinVar (database versions not stated): gnomAD 0.00001 and 0.00003; TOPMed 0.00001; gnomAD exomes 0.00008 and 0.00015; ExAC 0.00023; 1000 Genomes Project 30x 0.00031; 1000 Genomes Project 0.00040.
gnomAD v4.1: 113 of 1,613,862 alleles (0.007%); highest among the groups gnomAD compares: South Asian, 0.12%; 1 homozygote.

Submissions (2):

Blueprint Genetics
Classification: Likely benign. Last evaluated: 2024-11-18. Review status: criteria provided, single submitter. Criteria: ACMG Guidelines, 2015. Collection method: clinical testing. Allele origin: germline.

Labcorp Genetics (formerly Invitae), Labcorp
Classification: Uncertain significance. Last evaluated: 2023-10-03. Review status: criteria provided, single submitter. Criteria: Invitae Variant Classification Sherloc (09022015). Collection method: clinical testing. Allele origin: germline.
Comment: This sequence change replaces serine, which is neutral and polar, with alanine, which is neutral and non-polar, at codon 1939 of the KIAA1549 protein (p.Ser1939Ala). This variant is present in population databases (rs557851564, gnomAD 0.1%). This variant has not been reported in the literature in individuals affected with KIAA1549-related conditions. ClinVar contains an entry for this variant (Variation ID: 851361). An algorithm developed to predict the effect of missense changes on protein structure and function (PolyPhen-2) suggests that this variant is likely to be disruptive. In summary, the available evidence is currently insufficient to determine the role of this variant in disease. Therefore, it has been classified as a Variant of Uncertain Significance.